The following is an entry in ClinVar:

ClinVar aggregate classification (germline): Uncertain significance. Review status: criteria provided, multiple submitters, no conflicts (2 of 4 stars). 3 submissions from 3 submitters: Uncertain significance (3). Last evaluated 2025-07-07.

Submissions (3):

GeneDx
Classification: Uncertain significance. Last evaluated: 2025-07-07. Review status: criteria provided, single submitter. Criteria: GeneDx Variant Classification Process June 2021. Collection method: clinical testing. Allele origin: germline. Affected: yes.
Comment: Not observed at significant frequency in large population cohorts (gnomAD); In silico analysis suggests that this missense variant does not alter protein structure/function; Has not been previously published as pathogenic or benign to our knowledge; Occurs in the triple helical domain at the Y position in the canonical Gly-X-Y repeat; although this variant may have an effect on normal protein folding and function, missense substitution at the Y position is not a common mechanism of disease (HGMD)

Labcorp Genetics (formerly Invitae), Labcorp
Classification: Uncertain significance. Last evaluated: 2024-02-17. Review status: criteria provided, single submitter. Criteria: Invitae Variant Classification Sherloc (09022015). Collection method: clinical testing. Allele origin: germline.
Comment: This sequence change replaces alanine, which is neutral and non-polar, with serine, which is neutral and polar, at codon 353 of the COL2A1 protein (p.Ala353Ser). This variant is not present in population databases (gnomAD no frequency). This variant has not been reported in the literature in individuals affected with COL2A1-related conditions. ClinVar contains an entry for this variant (Variation ID: 1402942). Advanced modeling of protein sequence and biophysical properties (such as structural, functional, and spatial information, amino acid conservation, physicochemical variation, residue mobility, and thermodynamic stability) performed at Invitae indicates that this missense variant is not expected to disrupt COL2A1 protein function with a negative predictive value of 95%. In summary, the available evidence is currently insufficient to determine the role of this variant in disease. Therefore, it has been classified as a Variant of Uncertain Significance.

New York Genome Center
Classification: Uncertain significance. Last evaluated: 2022-10-14. Review status: criteria provided, single submitter. Criteria: NYGC Assertion Criteria 2020. Collection method: clinical testing. Allele origin: inherited. Observed: 1 heterozygote.

NM_001844.5(COL2A1):c.1057G>T (p.Ala353Ser)

Gene: COL2A1 (collagen type II alpha 1 chain; minus strand). Cytogenetic location: 12q13.11.
Variant type: single nucleotide variant.
Coding change: c.1057G>T on transcript NM_001844.5 (MANE Select); coding-DNA position 1057, G replaced by T.
Protein change: p.Ala353Ser; replaces alanine 353 with serine.
Molecular consequence: missense variant.
Genome position (GRCh38, 1-based): chr12:47,989,772, C>A on the plus strand (G>T on the coding strand, the complement: COL2A1 is on the minus strand). VCF-style: chr12-47989772-C-A. GRCh37 (hg19) VCF-style: chr12-48383555-C-A.
Other names: c.850G>T, p.Ala284Ser (NM_033150.3); short protein forms A284S, A353S.
Identifiers: ClinVar variation 1402942 (VCV001402942.11), dbSNP rs781554389, ClinGen allele CA384555429.